The following is an entry in ClinVar:

NM_000245.4(MET):c.1014T>C (p.Asn338=)

Gene: MET (MET proto-oncogene, receptor tyrosine kinase; plus strand). Cytogenetic location: 7q31.2.
Variant type: single nucleotide variant.
Coding change: c.1014T>C on transcript NM_000245.4 (MANE Select); coding-DNA position 1014, T replaced by C.
Protein change: p.Asn338=; no amino-acid change (asparagine 338 retained).
Molecular consequence: synonymous variant. On other transcripts: intron variant (1).
Genome position (GRCh38, 1-based): chr7:116,700,098, T>C. VCF-style: chr7-116700098-T-C. GRCh37 (hg19) VCF-style: chr7-116340152-T-C.
Other names: c.1014T>C, p.Asn338= (NM_001127500.3, NM_001324401.3); c.-91+27521T>C (NM_001324402.2).
Identifiers: ClinVar variation 1152557 (VCV001152557.12), dbSNP rs2116603344, ClinGen allele CA457448237.

ClinVar aggregate classification (germline): Benign/Likely benign. Review status: criteria provided, multiple submitters, no conflicts (2 of 4 stars). 3 submissions from 3 submitters: Benign (1); Likely benign (2). Last evaluated 2025-09-20.

Conditions:
Renal cell carcinoma. Identifiers: Orphanet 217071, MedGen C0007134, MeSH D002292, MONDO:0005086, HP:0005584.
Hereditary cancer-predisposing syndrome. Also called: Tumor predisposition; Neoplastic Syndromes, Hereditary; Hereditary neoplastic syndrome; Hereditary Cancer Syndrome. Identifiers: Orphanet 140162, MedGen C0027672, MeSH D009386, MONDO:0015356.
Papillary renal cell carcinoma type 1 (RCCP1). Also called: RENAL CELL CARCINOMA, PAPILLARY, 1, SOMATIC; Renal adenocarcinoma; Renal cell carcinoma 1; Renal cell carcinoma, somatic. Identifiers: Orphanet 47044, MedGen C1336839, OMIM 605074, HP:0011797.

Submissions (3):

Labcorp Genetics (formerly Invitae), Labcorp
Classification: Likely benign for Renal cell carcinoma. Last evaluated: 2025-09-20. Review status: criteria provided, single submitter. Criteria: Invitae Variant Classification Sherloc (09022015). Collection method: clinical testing. Allele origin: germline.

Myriad Genetics, Inc.
Classification: Benign for Papillary renal cell carcinoma type 1. Last evaluated: 2024-11-07. Review status: criteria provided, single submitter. Criteria: Myriad Autosomal Dominant, Autosomal Recessive and X-Linked Classification Criteria (2023). Collection method: clinical testing. Allele origin: unknown.
Comment: This variant is considered benign. This variant is a silent/synonymous amino acid change and it is not expected to impact splicing.

Ambry Genetics
Classification: Likely benign for Hereditary cancer-predisposing syndrome. Last evaluated: 2021-07-16. Review status: criteria provided, single submitter. Criteria: Ambry Variant Classification Scheme 2023. Collection method: clinical testing. Allele origin: germline.